The following is an entry in ClinVar:

NM_005591.4(MRE11):c.1783+5G>C

Gene: MRE11 (MRE11 double strand break repair nuclease; minus strand). Cytogenetic location: 11q21.
Variant type: single nucleotide variant.
Coding change: c.1783+5G>C on transcript NM_005591.4 (MANE Select); 5 bases into the intron after coding-DNA position 1783, G replaced by C.
Molecular consequence: intron variant.
Genome position (GRCh38, 1-based): chr11:94,447,214, C>G on the plus strand (G>C on the coding strand, the complement: MRE11 is on the minus strand). VCF-style: chr11-94447214-C-G. GRCh37 (hg19) VCF-style: chr11-94180380-C-G.
Other names: IVS15+5G>C; c.1783+5G>C (NM_001330347.2, NM_005590.4).
Identifiers: ClinVar variation 127975 (VCV000127975.38), dbSNP rs142082313, ClinGen allele CA331836.

ClinVar aggregate classification (germline): Conflicting classifications of pathogenicity. Review status: criteria provided, conflicting classifications (1 of 4 stars). 13 submissions from 13 submitters: Uncertain significance (1); Benign (5); Likely benign (6). 1 of the submissions does not count toward it. Last evaluated 2026-02-02.

Conditions:
MRE11-related disorder. Also called: MRE11-related condition.
Ataxia-telangiectasia-like disorder (ATLD). Identifiers: MedGen C1858391, MONDO:0011457.
Hereditary cancer-predisposing syndrome. Also called: Tumor predisposition; Hereditary neoplastic syndrome; Neoplastic Syndromes, Hereditary; Hereditary Cancer Syndrome. Identifiers: Orphanet 140162, MedGen C0027672, MeSH D009386, MONDO:0015356.
Hereditary breast ovarian cancer syndrome. Also called: Hereditary breast and ovarian cancer syndrome (HBOC); Hereditary breast and ovarian cancer; Hereditary breast and ovarian cancer syndrome; Breast and ovarian cancer; Hereditary breast and/or ovarian cancer syndrome; BRCA1- and BRCA2-Associated Hereditary Breast and Ovarian Cancer. Identifiers: Orphanet 145, MedGen C0677776, MeSH D061325, MONDO:0003582. Disease mechanism: loss of function.
Ataxia-telangiectasia-like disorder 1 (ATLD1). Identifiers: Orphanet 251347, MedGen C4012790, MONDO:0024557, OMIM 604391.

Allele frequency attached by ClinVar (database versions not stated): gnomAD exomes 0.00067; ExAC 0.00069; 1000 Genomes Project 0.00220; ESP Exome Variant Server 0.00223; 1000 Genomes Project 30x 0.00265; gnomAD 0.00271 and 0.00284; TOPMed 0.00288.
gnomAD v4.1: 750 of 1,611,416 alleles (0.047%); highest among the groups gnomAD compares: African/African-American, 0.89%; 5 homozygotes.

Submissions (13):

Labcorp Genetics (formerly Invitae), Labcorp
Classification: Benign for Ataxia-telangiectasia-like disorder. Last evaluated: 2026-02-02. Review status: criteria provided, single submitter. Criteria: Invitae Variant Classification Sherloc (09022015). Collection method: clinical testing. Allele origin: germline.

CeGaT Center for Human Genetics Tuebingen
Classification: Likely benign. Last evaluated: 2025-08-01. Review status: criteria provided, single submitter. Criteria: CeGaT Center For Human Genetics Tuebingen Variant Classification Criteria Version 2. Collection method: clinical testing. Allele origin: germline. Affected: yes. Observed: 1 variant allele.
Comment: MRE11: BS2

Blueprint Genetics
Classification: Likely benign. Last evaluated: 2024-09-11. Review status: criteria provided, single submitter. Criteria: ACMG Guidelines, 2015. Collection method: clinical testing. Allele origin: germline.

KCCC/NGS Laboratory, Kuwait Cancer Control Center
Classification: Benign for Ataxia-telangiectasia-like disorder 1. Last evaluated: 2023-07-07. Review status: criteria provided, single submitter. Criteria: ACMG Guidelines, 2015. Collection method: clinical testing. Allele origin: germline. Affected: yes.

National Health Laboratory Service, Universitas Academic Hospital and University of the Free State
Classification: Likely benign for Hereditary breast ovarian cancer syndrome. Last evaluated: 2022-04-19. Review status: criteria provided, single submitter. Criteria: ACMG Guidelines, 2015. Collection method: clinical testing. Allele origin: germline. Affected: yes. Observed: 5 variant alleles.

Sema4
Classification: Likely benign for Hereditary cancer-predisposing syndrome. Last evaluated: 2021-08-23. Review status: criteria provided, single submitter. Criteria: Sema4 Curation Guidelines. Collection method: curation. Allele origin: germline.

Quest Diagnostics Nichols Institute San Juan Capistrano
Classification: Benign. Last evaluated: 2021-07-20. Review status: criteria provided, single submitter. Criteria: Quest Diagnostics criteria. Collection method: clinical testing. Allele origin: unknown.

ARUP Laboratories, Molecular Genetics and Genomics, ARUP Laboratories
Classification: Uncertain significance for Ataxia-telangiectasia-like disorder 1. Last evaluated: 2020-02-14. Review status: criteria provided, single submitter. Criteria: ARUP Molecular Germline Variant Investigation Process. Collection method: clinical testing. Allele origin: germline.
Comment: The MRE11 c.1783+5G>C variant (rs142082313), to our knowledge, is not reported in the medical literature but is reported as benign/likely benign in the ClinVar database (Variation ID: 127975). This variant is found in the African population with an allele frequency of 0.9% (224/24962 alleles, including 2 homozygotes) in the Genome Aggregation Database. This is an intronic variant in a moderately conserved nucleotide, and computational analyses (Alamut v.2.11) predict that this variant may impact splicing by weakening the nearby canonical donor splice site. However, these predictions have not been confirmed by functional studies. Due to limited information, the clinical significance of this variant is uncertain at this time.

GeneDx
Classification: Likely benign. Last evaluated: 2020-02-12. Review status: criteria provided, single submitter. Criteria: GeneDx Variant Classification Process June 2021. Collection method: clinical testing. Allele origin: germline. Affected: yes.

Athena Diagnostics
Classification: Benign. Last evaluated: 2019-01-21. Review status: criteria provided, single submitter. Criteria: Athena Diagnostics Criteria. Collection method: clinical testing. Allele origin: germline.

Women's Health and Genetics/Laboratory Corporation of America, LabCorp
Classification: Likely benign. Last evaluated: 2017-06-16. Review status: criteria provided, single submitter. Criteria: LabCorp Variant Classification Summary - May 2015. Collection method: clinical testing. Allele origin: germline.
Comment: Variant summary: The MRE11A c.1783+5G>C variant involves the alteration of a conserved intronic nucleotide. One in silico tool predicts a damaging outcome for this variant. 5/5 splice prediction tools predict weakening effect on the canonical splicing donor site and ESEfinders predict change of ESE binding sites. However, these predictions have yet to be confirmed by functional studies. This variant was found in 84/121382 control chromosomes, predominantly observed in the African subpopulation at a frequency of 0.007407 (77/10396). This frequency is about 119 times the estimated maximal expected allele frequency of a pathogenic MRE11A variant (0.0000625), suggesting this is likely a benign polymorphism found primarily in the populations of African origin. In addition, multiple clinical diagnostic laboratories/reputable databases classified this variant as likely benign/benign. The variant of interest has not, to our knowledge, been reported in affected individuals via publications and/or reputable databases/clinical diagnostic laboratories; nor evaluated for functional impact by in vivo/vitro studies. Taken together, this variant is classified as likely benign until more evidence becomes available.

Ambry Genetics
Classification: Benign for Hereditary cancer-predisposing syndrome. Last evaluated: 2014-11-24. Review status: criteria provided, single submitter. Criteria: Ambry Variant Classification Scheme 2023. Collection method: clinical testing. Allele origin: germline.

PreventionGenetics, part of Exact Sciences
Classification: Benign for MRE11-related condition. Last evaluated: 2019-11-22. Review status: no assertion criteria provided. Collection method: clinical testing. Allele origin: germline. Not counted in ClinVar's aggregate classification.
Comment: This variant is classified as benign based on ACMG/AMP sequence variant interpretation guidelines (Richards et al. 2015 PMID: 25741868, with internal and published modifications).